The following is an entry in ClinVar:

NM_007294.4(BRCA1):c.4835A>G (p.Gln1612Arg)

Gene: BRCA1 (BRCA1 DNA repair associated; minus strand). Cytogenetic location: 17q21.31.
Variant type: single nucleotide variant.
Coding change: c.4835A>G on transcript NM_007294.4 (MANE Select); coding-DNA position 4835, A replaced by G.
Protein change: p.Gln1612Arg; replaces glutamine 1612 with arginine.
Molecular consequence: missense variant. On other transcripts: intron variant (1).
Genome position (GRCh38, 1-based): chr17:43,071,079, T>C on the plus strand (A>G on the coding strand, the complement: BRCA1 is on the minus strand). VCF-style: chr17-43071079-T-C. GRCh37 (hg19) VCF-style: chr17-41223096-T-C.
Other names: c.4691A>G, p.Gln1564Arg (NM_001407749.1, NM_001407750.1, NM_001407751.1 and 21 more transcripts); c.4688A>G, p.Gln1563Arg (NM_001407838.1, NM_001407839.1, NM_001407841.1 and 12 more transcripts); c.4835A>G, p.Gln1612Arg (NM_001407854.1, NM_001407593.1, NM_001407594.1 and 8 more transcripts); c.4832A>G, p.Gln1611Arg (NM_001407858.1, NM_001407859.1, NM_001407860.1 and 17 more transcripts); c.4829A>G, p.Gln1610Arg (NM_001407861.1, NM_001407627.1, NM_001407628.1 and 14 more transcripts); c.4634A>G, p.Gln1545Arg (NM_001407862.1); c.4709A>G, p.Gln1570Arg (NM_001407863.1, NM_001407939.1, NM_001407940.1 and 11 more transcripts); c.4628A>G, p.Gln1543Arg (NM_001407874.1, NM_001407875.1); and 71 more; short protein forms Q1499R, Q1540R, Q1541R, Q1584R, Q1586R, Q1609R, Q437R, Q439R.
Identifiers: ClinVar variation 2774827 (VCV002774827.8), dbSNP rs2052399471, ClinGen allele CA10591851.
Genomic context (GRCh38, chr17:43,071,079, plus strand): 5'-ACACTTTCTTCCATTGCATTATACCCAGCAGTATCAGTAGTATGAGCAGCAGCTGGACTC[T>C]GGGCAGATTCTGCAACTTTCAATTGGGGAACTTTCAATGCAGAGGTTGAAGATGGTATGT-3'
Protein context (NP_009225.1, residues 1602-1622): VPQLKVAESA[Gln1612Arg]SPAAAHTTDT

ClinVar aggregate classification (germline): Uncertain significance. Review status: criteria provided, multiple submitters, no conflicts (2 of 4 stars). 4 submissions from 4 submitters: Uncertain significance (4). Last evaluated 2025-06-21.

Conditions:
Breast-ovarian cancer, familial, susceptibility to, 1 (BROVCA1). Also called: BRCA1 Hereditary Breast and Ovarian Cancer; OVARIAN CANCER, SUSCEPTIBILITY TO. Identifiers: Orphanet 145, MedGen C2676676, MONDO:0011450, OMIM 604370. Disease mechanism: loss of function.
Hereditary breast ovarian cancer syndrome. Also called: Hereditary breast and ovarian cancer; Hereditary breast and ovarian cancer syndrome (HBOC); BRCA1- and BRCA2-Associated Hereditary Breast and Ovarian Cancer; Hereditary breast and ovarian cancer syndrome; Breast and ovarian cancer; Hereditary breast and/or ovarian cancer syndrome. Identifiers: Orphanet 145, MedGen C0677776, MeSH D061325, MONDO:0003582. Disease mechanism: loss of function.
Hereditary cancer-predisposing syndrome. Also called: Tumor predisposition; Hereditary Cancer Syndrome; Hereditary neoplastic syndrome; Neoplastic Syndromes, Hereditary. Identifiers: Orphanet 140162, MedGen C0027672, MeSH D009386, MONDO:0015356.

Submissions (4):

Ambry Genetics
Classification: Uncertain significance for Hereditary cancer-predisposing syndrome. Last evaluated: 2025-06-21. Review status: criteria provided, single submitter. Criteria: Ambry Variant Classification Scheme 2023. Collection method: clinical testing. Allele origin: germline.
Comment: The p.Q1612R variant (also known as c.4835A>G), located in coding exon 14 of the BRCA1 gene, results from an A to G substitution at nucleotide position 4835. The glutamine at codon 1612 is replaced by arginine, an amino acid with highly similar properties. This amino acid position is poorly conserved in available vertebrate species. In addition, the in silico prediction for this alteration is inconclusive. Since supporting evidence is limited at this time, the clinical significance of this alteration remains unclear.

All of Us Research Program, National Institutes of Health
Classification: Uncertain significance for Breast-ovarian cancer, familial, susceptibility to, 1. Last evaluated: 2023-05-16. Review status: criteria provided, single submitter. Criteria: ACMG Guidelines, 2015. Collection method: clinical testing. Allele origin: germline. Inheritance: Autosomal dominant inheritance. Observed: 1 variant allele, 1 heterozygote.
Comment: This missense variant replaces glutamine with arginine at codon 1612 of the BRCA1 protein. Computational prediction is inconclusive regarding the impact of this variant on protein structure and function (internally defined REVEL score threshold 0.5 < inconclusive < 0.7, PMID: 27666373). To our knowledge, functional studies have not been reported for this variant. This variant has not been reported in individuals affected with hereditary cancer in the literature. This variant has not been identified in the general population by the Genome Aggregation Database (gnomAD). The available evidence is insufficient to determine the role of this variant in disease conclusively. Therefore, this variant is classified as a Variant of Uncertain Significance.

This study involves interpretation of variants in research participants for the purpose of population health screening. Participant phenotype was not available at the time of variant classification. Additional details can be found in publication PMID: 35346344, PMCID: PMC8962531

Color Diagnostics, LLC DBA Color Health
Classification: Uncertain significance for Hereditary cancer-predisposing syndrome. Last evaluated: 2023-04-20. Review status: criteria provided, single submitter. Criteria: ACMG Guidelines, 2015. Collection method: clinical testing. Allele origin: germline.
Comment: This missense variant replaces glutamine with arginine at codon 1612 of the BRCA1 protein. Computational prediction is inconclusive regarding the impact of this variant on protein structure and function (internally defined REVEL score threshold 0.5 < inconclusive < 0.7, PMID: 27666373). To our knowledge, functional studies have not been reported for this variant. This variant has not been reported in individuals affected with hereditary cancer in the literature. This variant has not been identified in the general population by the Genome Aggregation Database (gnomAD). The available evidence is insufficient to determine the role of this variant in disease conclusively. Therefore, this variant is classified as a Variant of Uncertain Significance.

Labcorp Genetics (formerly Invitae), Labcorp
Classification: Uncertain significance for Hereditary breast ovarian cancer syndrome. Last evaluated: 2023-03-31. Review status: criteria provided, single submitter. Criteria: Invitae Variant Classification Sherloc (09022015). Collection method: clinical testing. Allele origin: germline.
Comment: Advanced modeling of protein sequence and biophysical properties (such as structural, functional, and spatial information, amino acid conservation, physicochemical variation, residue mobility, and thermodynamic stability) performed at Invitae indicates that this missense variant is not expected to disrupt BRCA1 protein function. This variant has not been reported in the literature in individuals affected with BRCA1-related conditions. This variant is not present in population databases (gnomAD no frequency). This sequence change replaces glutamine, which is neutral and polar, with arginine, which is basic and polar, at codon 1612 of the BRCA1 protein (p.Gln1612Arg). In summary, the available evidence is currently insufficient to determine the role of this variant in disease. Therefore, it has been classified as a Variant of Uncertain Significance.